The following continues an entry in ClinVar:

NM_004004.6(GJB2):c.334_335del (p.Lys112fs)

Gene: GJB2. ClinVar aggregate classification (germline): Pathogenic. Pathogenic (14).

Submissions 10 to 16 of 16:

Women's Health and Genetics/Laboratory Corporation of America, LabCorp
Classification: Pathogenic for Autosomal recessive nonsyndromic hearing loss 1A. Last evaluated: 2022-03-22. Review status: criteria provided, single submitter. Criteria: LabCorp Variant Classification Summary - May 2015. Collection method: clinical testing. Allele origin: germline.
Comment: Variant summary: GJB2 c.334_335delAA (p.Lys112GlufsX2) results in a premature termination codon, predicted to cause a truncation of the encoded protein or absence of the protein due to nonsense mediated decay, which are commonly known mechanisms for disease. Truncations downstream of this position have been classified as pathogenic by our laboratory. The variant allele was found at a frequency of 8e-06 in 250258 control chromosomes. c.334_335delAA has been reported in the literature in multiple individuals affected with Autosomal Recessive Non-Syndromic Hearing Loss, and has been shown to segregate with disease in several families. Seven clinical diagnostic laboratories have submitted clinical-significance assessments for this variant to ClinVar after 2014 without evidence for independent evaluation. All laboratories classified the variant as pathogenic. Based on the evidence outlined above, the variant was classified as pathogenic.

Fulgent Genetics
Classification: Pathogenic for Mutilating keratoderma; Autosomal dominant keratitis-ichthyosis-hearing loss syndrome; Palmoplantar keratoderma-deafness syndrome; Knuckle pads, deafness AND leukonychia syndrome; Autosomal recessive nonsyndromic hearing loss 1A; X-linked mixed hearing loss with perilymphatic gusher; Autosomal dominant nonsyndromic hearing loss 3A. Last evaluated: 2021-11-18. Review status: criteria provided, single submitter. Criteria: ACMG Guidelines, 2015. Collection method: clinical testing. Allele origin: unknown.

INGEBI, INGEBI / CONICET
Classification: Pathogenic for Nonsyndromic hearing loss and deafness. Last evaluated: 2020-08-21. Review status: criteria provided, single submitter. Criteria: ClinGen HL ACMG Specifications v1. Collection method: clinical testing. Allele origin: germline. Inheritance: Autosomal recessive inheritance. Affected: yes. Observed: 2 variant alleles.
Comment: Based on ACMG/AMP guidelines and Hearing Loss Expert Panel specific criteria: the c.334_335del variant which leads to p.(Lys112Glufs*2) in the GJB2 gene is present in only 1/34582 Latino alleles in Genome Aggregation Database; meeting the PM2 criteria. The c.334_335del variant is predicted to cause a premature stop codon in the only exon of GJB2 that leads to a truncated or absent protein in a gene in which loss-of-function is an established mechanism (PVS1). This variant was detected in trans with 2 different pathogenic or suspected pathogenic variants in at least 4 hearing loss patients (PMID: 9529365, 21465647, 22695344, 23141775) applying to PM3_VeryStrong. Two familial cases with two affected siblings in each one showed segregation of the genotypes: c.[334_335del];[35delG] and c.[334_335del];[638T>A] in the affected siblings respectively applying to PP1_Moderate rule (PMID: 9529365, 23141775) In summary, this variant meets criteria to be classified as pathogenic for autosomal recessive non-syndromic hearing loss: PM2, PVS1, PM3_VeryStrong, PP1_Moderate.

Laboratory for Molecular Medicine, Mass General Brigham Personalized Medicine
Classification: Pathogenic for Rare genetic deafness. Last evaluated: 2019-08-27. Review status: criteria provided, single submitter. Criteria: ACMG Guidelines, 2015. Collection method: clinical testing. Allele origin: germline. Inheritance: Autosomal recessive inheritance.
Comment: The p.Lys112fs variant in GJB2 has been reported in eight individuals with hearing loss (Kelley 1998, Wu 2002, Putcha 2007, Nishio 2015). One of these individuals and their sibling were compound heterozygous for this variant and a second pathogenic GJB2 variant (Kelley 1998). The p.Lys112fs variant has also been identified in 0.002% (1/34582) of Latino chromosomes by gnomAD. This variant is predicted to cause a frameshift, which alters the protein’s amino acid sequence beginning at position 112 and leads to a premature termination codon 2 amino acids downstream. This alteration is then predicted to lead to a truncated or absent protein. Loss of function of the GJB2 gene is an established disease mechanism in autosomal recessive hearing loss. In summary, this variant meets criteria to be classified as pathogenic for autosomal recessive hearing loss. ACMG/AMP criteria applied: PVS1, PM2, PM3, PP1.

Genomic Diagnostic Laboratory, Division of Genomic Diagnostics, Children's Hospital of Philadelphia
Classification: Pathogenic for Deafness, autosomal recessive 1A. Last evaluated: 2017-05-09. Review status: criteria provided, single submitter. Criteria: DGD Variant Analysis Guidelines. Collection method: clinical testing. Allele origin: germline. Affected: yes. Observed: 1 variant allele.

Counsyl
Classification: Likely pathogenic for Deafness, autosomal recessive 1A. Last evaluated: 2014-11-07. Review status: no assertion criteria provided. Collection method: literature only. Allele origin: unknown. Inheritance: Autosomal recessive inheritance. Not counted in ClinVar's aggregate classification.

Clinical Molecular Genetics Laboratory, Johns Hopkins All Children's Hospital
Classification: Pathogenic for Hearing loss. Last evaluated: 2013-03-21. Review status: no assertion criteria provided. Collection method: clinical testing. Allele origin: germline. Affected: yes. Not counted in ClinVar's aggregate classification.

Literature cited by the submitters: PubMed 15954104 (cited by 3 submitters); PubMed 9529365 (cited by 7 submitters); PubMed 23141775 (cited by 4 submitters); PubMed 9600457 (cited by Labcorp Genetics (formerly Invitae), Labcorp); PubMed 16575343 (cited by Athena Diagnostics); PubMed 21465647 (cited by 4 submitters); PubMed 12172394 (cited by 4 submitters); PubMed 22695344 (cited by 4 submitters); PubMed 24158611 (cited by Athena Diagnostics and Counsyl); PubMed 27177978 (cited by Athena Diagnostics); PubMed 17666888 (cited by Athena Diagnostics and Laboratory for Molecular Medicine, Mass General Brigham Personalized Medicine); PubMed 26561413 (cited by Athena Diagnostics); PubMed 25587757 (cited by Athena Diagnostics and Laboratory for Molecular Medicine, Mass General Brigham Personalized Medicine); PubMed 26990548 (cited by Laboratory for Molecular Medicine, Mass General Brigham Personalized Medicine).